The following is an entry in ClinVar:

NM_020457.3(THAP11):c.502C>G (p.Gln168Glu)

Genes: CENPT (centromere protein T; minus strand), THAP11 (THAP domain containing 11; plus strand). Cytogenetic location: 16q22.1.
Variant type: single nucleotide variant.
Coding change: c.502C>G on transcript NM_020457.3 (MANE Select); coding-DNA position 502, C replaced by G.
Protein change: p.Gln168Glu; replaces glutamine 168 with glutamic acid.
Molecular consequence: missense variant. On other transcripts: intron variant (1).
Genome position (GRCh38, 1-based): chr16:67,843,056, C>G. VCF-style: chr16-67843056-C-G. GRCh37 (hg19) VCF-style: chr16-67876959-C-G.
Other names: c.-492+4345G>C (NM_025082.4); short protein forms Q168E.
Identifiers: ClinVar variation 2321857 (VCV002321857.6), dbSNP rs746714021, ClinGen allele CA8118293.

ClinVar aggregate classification (germline): Uncertain significance. Review status: criteria provided, multiple submitters, no conflicts (2 of 4 stars). 2 submissions from 2 submitters: Uncertain significance (2). Last evaluated 2025-03-10.

Allele frequency attached by ClinVar (database versions not stated): gnomAD 0.00001; gnomAD exomes 0.00002; ExAC 0.00001.
gnomAD v4.1: 32 of 1,612,098 alleles (0.002%); highest among the groups gnomAD compares: Middle Eastern, 0.016%; no homozygotes.

Submissions (2):

Labcorp Genetics (formerly Invitae), Labcorp
Classification: Uncertain significance. Last evaluated: 2025-03-10. Review status: criteria provided, single submitter. Criteria: Invitae Variant Classification Sherloc (09022015). Collection method: clinical testing. Allele origin: germline.
Comment: This sequence change replaces glutamine, which is neutral and polar, with glutamic acid, which is acidic and polar, at codon 168 of the THAP11 protein (p.Gln168Glu). This variant is present in population databases (rs746714021, gnomAD 0.002%). This variant has not been reported in the literature in individuals affected with THAP11-related conditions. ClinVar contains an entry for this variant (Variation ID: 2321857). Invitae Evidence Modeling of protein sequence and biophysical properties (such as structural, functional, and spatial information, amino acid conservation, physicochemical variation, residue mobility, and thermodynamic stability) indicates that this missense variant is not expected to disrupt THAP11 protein function with a negative predictive value of 80%. In summary, the available evidence is currently insufficient to determine the role of this variant in disease. Therefore, it has been classified as a Variant of Uncertain Significance.

Ambry Genetics
Classification: Uncertain significance. Last evaluated: 2024-11-10. Review status: criteria provided, single submitter. Criteria: Ambry Variant Classification Scheme 2023. Collection method: clinical testing. Allele origin: germline.